The following is an entry in ClinVar:

NM_004006.3(DMD):c.9649+5G>C

Gene: DMD (dystrophin; minus strand). Cytogenetic location: Xp21.2.
Variant type: single nucleotide variant.
Coding change: c.9649+5G>C on transcript NM_004006.3 (MANE Select); 5 bases into the intron after coding-DNA position 9649, G replaced by C.
Molecular consequence: intron variant.
Genome position (GRCh38, 1-based): chrX:31,206,577, C>G on the plus strand (G>C on the coding strand, the complement: DMD is on the minus strand). VCF-style: chrX-31206577-C-G. GRCh37 (hg19) VCF-style: chrX-31224694-C-G.
Other names: c.9625+5G>C (NM_000109.4); c.5626+5G>C (NM_004011.4); c.5617+5G>C (NM_004012.4); c.2269+5G>C (NM_004023.3, NM_004020.4, NM_004022.3 and 2 more transcripts); c.1462+5G>C (NM_004014.3); c.445+5G>C (NM_004018.3, NM_004017.3, NM_004016.3 and 2 more transcripts); c.9637+5G>C (NM_004009.3); c.9280+5G>C (NM_004010.3).
Identifiers: ClinVar variation 803799 (VCV000803799.4), dbSNP rs1602695527, ClinGen allele CA915950870.

ClinVar aggregate classification (germline): Conflicting classifications of pathogenicity. Review status: criteria provided, conflicting classifications (1 of 4 stars). 2 submissions from 2 submitters: Pathogenic (1); Uncertain significance (1). Last evaluated 2023-06-03.

Conditions:
Duchenne muscular dystrophy (DMD). Also called: Duchenne Muscular Dystrophy (DMD); MUSCULAR DYSTROPHY, PSEUDOHYPERTROPHIC PROGRESSIVE, DUCHENNE TYPE. Identifiers: Orphanet 98896, MedGen C0013264, MONDO:0010679, OMIM 310200.

Submissions (2):

Labcorp Genetics (formerly Invitae), Labcorp
Classification: Uncertain significance for Duchenne muscular dystrophy. Last evaluated: 2023-06-03. Review status: criteria provided, single submitter. Criteria: Invitae Variant Classification Sherloc (09022015). Collection method: clinical testing. Allele origin: germline.
Comment: In summary, the available evidence is currently insufficient to determine the role of this variant in disease. Therefore, it has been classified as a Variant of Uncertain Significance. This variant disrupts the c.9649+5G nucleotide in the DMD gene. Other variant(s) that disrupt this nucleotide have been determined to be pathogenic (PMID: 31443951). This suggests that this nucleotide is clinically significant, and that variants that disrupt this position are likely to be disease-causing. Variants that disrupt the consensus splice site are a relatively common cause of aberrant splicing (PMID: 17576681, 9536098). Algorithms developed to predict the effect of sequence changes on RNA splicing suggest that this variant may disrupt the consensus splice site. ClinVar contains an entry for this variant (Variation ID: 803799). This variant has not been reported in the literature in individuals affected with DMD-related conditions. This variant is not present in population databases (gnomAD no frequency). This sequence change falls in intron 66 of the DMD gene. It does not directly change the encoded amino acid sequence of the DMD protein. It affects a nucleotide within the consensus splice site.

Mendelics
Classification: Pathogenic for Duchenne muscular dystrophy. Last evaluated: 2019-05-28. Review status: criteria provided, single submitter. Criteria: Mendelics Assertion Criteria 2017. Collection method: clinical testing. Allele origin: unknown.

Literature cited by the submitters: PubMed 31443951 (cited by Labcorp Genetics (formerly Invitae), Labcorp); PubMed 17576681 (cited by Labcorp Genetics (formerly Invitae), Labcorp); PubMed 9536098 (cited by Labcorp Genetics (formerly Invitae), Labcorp).